The following is an entry in ClinVar:

ClinVar aggregate classification (germline): Conflicting classifications of pathogenicity. Review status: criteria provided, conflicting classifications (1 of 4 stars). 2 submissions from 2 submitters: Uncertain significance (1); Likely benign (1). Last evaluated 2024-09-20.

Conditions:
Developmental and epileptic encephalopathy, 49 (DEE49). Also called: Epileptic encephalopathy, early infantile, 49. Identifiers: MedGen C4310635, MONDO:0015002, OMIM 617281.

Submissions (2):

3billion
Classification: Likely benign for Developmental and epileptic encephalopathy, 49. Last evaluated: 2024-09-20. Review status: criteria provided, single submitter. Criteria: ACMG Guidelines, 2015. Collection method: clinical testing. Allele origin: germline. Affected: no.
Comment: The homozygous variant was found in patients diagnosed with another variant in a different gene, with no symptoms related to the gene containing the homozygous variant.

Labcorp Genetics (formerly Invitae), Labcorp
Classification: Uncertain significance. Last evaluated: 2022-01-11. Review status: criteria provided, single submitter. Criteria: Invitae Variant Classification Sherloc (09022015). Collection method: clinical testing. Allele origin: germline.
Comment: In summary, the available evidence is currently insufficient to determine the role of this variant in disease. Therefore, it has been classified as a Variant of Uncertain Significance. Variants that disrupt the consensus splice site are a relatively common cause of aberrant splicing (PMID: 17576681, 9536098). Algorithms developed to predict the effect of sequence changes on RNA splicing suggest that this variant may disrupt the consensus splice site. This variant has not been reported in the literature in individuals affected with DENND5A-related conditions. This variant is not present in population databases (gnomAD no frequency). This sequence change falls in intron 12 of the DENND5A gene. It does not directly change the encoded amino acid sequence of the DENND5A protein. It affects a nucleotide within the consensus splice site.

Literature cited by the submitters: PubMed 17576681 (cited by Labcorp Genetics (formerly Invitae), Labcorp); PubMed 9536098 (cited by Labcorp Genetics (formerly Invitae), Labcorp).

NM_015213.4(DENND5A):c.2436+3A>G

Gene: DENND5A (DENN domain containing 5A; minus strand). Cytogenetic location: 11p15.4.
Variant type: single nucleotide variant.
Coding change: c.2436+3A>G on transcript NM_015213.4 (MANE Select); 3 bases into the intron after coding-DNA position 2436, A replaced by G.
Molecular consequence: intron variant.
Genome position (GRCh38, 1-based): chr11:9,160,710, T>C on the plus strand (A>G on the coding strand, the complement: DENND5A is on the minus strand). VCF-style: chr11-9160710-T-C. GRCh37 (hg19) VCF-style: chr11-9182257-T-C.
Other names: c.2364+3A>G (NM_001348749.2); c.2436+3A>G (NM_001243254.2); c.2148+3A>G (NM_001348750.2).
Identifiers: ClinVar variation 1930213 (VCV001930213.6), dbSNP rs2493771954, ClinGen allele CA2574750373.